The following is an entry in ClinVar:

NM_032607.3(CREB3L3):c.362G>A (p.Gly121Glu)

Gene: CREB3L3 (cAMP responsive element binding protein 3 like 3; plus strand). Cytogenetic location: 19p13.3.
Variant type: single nucleotide variant.
Coding change: c.362G>A on transcript NM_032607.3 (MANE Select); coding-DNA position 362, G replaced by A.
Protein change: p.Gly121Glu; replaces glycine 121 with glutamic acid.
Molecular consequence: missense variant.
Genome position (GRCh38, 1-based): chr19:4,157,200, G>A. VCF-style: chr19-4157200-G-A. GRCh37 (hg19) VCF-style: chr19-4157197-G-A.
Other names: c.362G>A (NM_032607.1); c.359G>A, p.Gly120Glu (NM_001271995.2); c.362G>A, p.Gly121Glu (NM_001271996.2, NM_001271997.2); short protein forms G121E, G120E.
Identifiers: ClinVar variation 2067214 (VCV002067214.6), dbSNP rs149917178, ClinGen allele CA9091286.

ClinVar aggregate classification (germline): Uncertain significance. Review status: criteria provided, multiple submitters, no conflicts (2 of 4 stars). 2 submissions from 2 submitters: Uncertain significance (2). Last evaluated 2025-12-24.

Allele frequency attached by ClinVar (database versions not stated): gnomAD exomes 0.00001; ExAC 0.00003; TOPMed 0.00007; gnomAD 0.00009; ESP Exome Variant Server 0.00015.
gnomAD v4.1: 25 of 1,613,862 alleles (0.0015%); highest among the groups gnomAD compares: Admixed American, 0.017%; no homozygotes.

Submissions (2):

Labcorp Genetics (formerly Invitae), Labcorp
Classification: Uncertain significance. Last evaluated: 2025-12-24. Review status: criteria provided, single submitter. Criteria: Invitae Variant Classification Sherloc (09022015). Collection method: clinical testing. Allele origin: germline.
Comment: This sequence change replaces glycine, which is neutral and non-polar, with glutamic acid, which is acidic and polar, at codon 121 of the CREB3L3 protein (p.Gly121Glu). This variant is present in population databases (rs149917178, gnomAD 0.04%). This missense change has been observed in individual(s) with clinical features of CREB3L3-related conditions (PMID: 36325899). ClinVar contains an entry for this variant (Variation ID: 2067214). Invitae Evidence Modeling of protein sequence and biophysical properties (such as structural, functional, and spatial information, amino acid conservation, physicochemical variation, residue mobility, and thermodynamic stability) indicates that this missense variant is not expected to disrupt CREB3L3 protein function with a negative predictive value of 80%. In summary, the available evidence is currently insufficient to determine the role of this variant in disease. Therefore, it has been classified as a Variant of Uncertain Significance.

Ambry Genetics
Classification: Uncertain significance. Last evaluated: 2023-02-14. Review status: criteria provided, single submitter. Criteria: Ambry Variant Classification Scheme 2023. Collection method: clinical testing. Allele origin: germline.

Literature cited by the submitters: PubMed 36325899 (cited by Labcorp Genetics (formerly Invitae), Labcorp).